The following is an entry in ClinVar:

ClinVar aggregate classification (germline): Likely benign. Review status: criteria provided, multiple submitters, no conflicts (2 of 4 stars). 4 submissions from 4 submitters: Likely benign (4). Last evaluated 2025-10-10.

Conditions:
Early-infantile DEE. Also called: Ohtahara syndrome; Early infantile epileptic encephalopathy; Early infantile epileptic encephalopathy with suppression bursts. Identifiers: Orphanet 1934, MedGen C0393706, MONDO:0800491.
Inborn genetic diseases. Identifiers: MedGen C0950123, MeSH D030342.

Allele frequency attached by ClinVar (database versions not stated): gnomAD exomes below 0.00001 and 0.00001; ExAC 0.00001; gnomAD 0.00001; TOPMed 0.00001.
gnomAD v4.1: 19 of 1,613,864 alleles (0.0012%); highest among the groups gnomAD compares: African/African-American, 0.013%; no homozygotes.

Submissions (4):

Labcorp Genetics (formerly Invitae), Labcorp
Classification: Likely benign for Early-infantile DEE. Last evaluated: 2025-10-10. Review status: criteria provided, single submitter. Criteria: Invitae Variant Classification Sherloc (09022015). Collection method: clinical testing. Allele origin: germline.

Blueprint Genetics
Classification: Likely benign. Last evaluated: 2024-04-15. Review status: criteria provided, single submitter. Criteria: ACMG Guidelines, 2015. Collection method: clinical testing. Allele origin: germline.

Ambry Genetics
Classification: Likely benign for Inborn genetic diseases. Last evaluated: 2017-12-15. Review status: criteria provided, single submitter. Criteria: Ambry Variant Classification Scheme 2023. Collection method: clinical testing. Allele origin: germline.

GeneDx
Classification: Likely benign. Last evaluated: 2017-08-28. Review status: criteria provided, single submitter. Criteria: GeneDx Variant Classification (06012015). Collection method: clinical testing. Allele origin: germline. Affected: yes.
Comment: This variant is considered likely benign or benign based on one or more of the following criteria: it is a conservative change, it occurs at a poorly conserved position in the protein, it is predicted to be benign by multiple in silico algorithms, and/or has population frequency not consistent with disease.

NM_001130438.3(SPTAN1):c.1953T>C (p.Ala651=)

Gene: SPTAN1 (spectrin alpha, non-erythrocytic 1; plus strand). Cytogenetic location: 9q34.11.
Variant type: single nucleotide variant.
Coding change: c.1953T>C on transcript NM_001130438.3 (MANE Select); coding-DNA position 1953, T replaced by C.
Protein change: p.Ala651=; no amino-acid change (alanine 651 retained).
Molecular consequence: synonymous variant.
Genome position (GRCh38, 1-based): chr9:128,583,223, T>C. VCF-style: chr9-128583223-T-C. GRCh37 (hg19) VCF-style: chr9-131345502-T-C.
Other names: c.1953T>C, p.Ala651= (NM_001195532.2, NM_001363759.2, NM_001363765.2 and 1 more transcripts).
Identifiers: ClinVar variation 379691 (VCV000379691.15), dbSNP rs376957536, ClinGen allele CA5264540.